The following is an entry in ClinVar:

NM_020975.6(RET):c.1052T>A (p.Val351Glu)

Gene: RET (ret proto-oncogene; plus strand). Cytogenetic location: 10q11.21.
Variant type: single nucleotide variant.
Coding change: c.1052T>A on transcript NM_020975.6 (MANE Select); coding-DNA position 1052, T replaced by A.
Protein change: p.Val351Glu; replaces valine 351 with glutamic acid.
Molecular consequence: missense variant.
Genome position (GRCh38, 1-based): chr10:43,106,560, T>A. VCF-style: chr10-43106560-T-A. GRCh37 (hg19) VCF-style: chr10-43602008-T-A.
Other names: c.1052T>A, p.Val351Glu (NM_000323.2, NM_001406743.1, NM_001406744.1 and 6 more transcripts); c.290T>A, p.Val97Glu (NM_001355216.2); c.923T>A, p.Val308Glu (NM_001406761.1, NM_001406762.1, NM_001406764.1 and 1 more transcripts); c.764T>A, p.Val255Glu (NM_001406766.1, NM_001406767.1, NM_001406770.1); short protein forms V351E, V97E, V255E, V308E.
Identifiers: ClinVar variation 219791 (VCV000219791.16), dbSNP rs749449032, ClinGen allele CA030932.

ClinVar aggregate classification (germline): Conflicting classifications of pathogenicity. Review status: criteria provided, conflicting classifications (1 of 4 stars). 5 submissions from 5 submitters: Uncertain significance (2); Benign (1); Likely benign (2). Last evaluated 2026-02-03.

Conditions:
Hirschsprung disease, susceptibility to, 1 (HSCR1). Also called: RET-Related Hirschsprung Disease. Identifiers: Orphanet 388, MedGen C3888239, MONDO:0007723, OMIM 142623.
Hereditary cancer-predisposing syndrome. Also called: Hereditary neoplastic syndrome; Tumor predisposition; Hereditary Cancer Syndrome; Neoplastic Syndromes, Hereditary. Identifiers: Orphanet 140162, MedGen C0027672, MeSH D009386, MONDO:0015356.
Ovarian cancer. Also called: OVARIAN CANCER, SOMATIC. Identifiers: Orphanet 213500, MedGen C1140680, MONDO:0008170, OMIM 167000.
Multiple endocrine neoplasia, type 2 (MEN2). Identifiers: Orphanet 653, MedGen C4048306, MONDO:0019003. Disease mechanism: gain of function.
Multiple endocrine neoplasia type 2A. Also called: Multiple Endocrine Neoplasia Type 2A (MEN2A); MULTIPLE ENDOCRINE NEOPLASIA, TYPE IIA; PTC SYNDROME; SIPPLE SYNDROME; MEN 2A; MEN-2A syndrome. Identifiers: Orphanet 247698, Orphanet 653, MedGen C0025268, MeSH D018813, MONDO:0008234, OMIM 171400.

Allele frequency attached by ClinVar (database versions not stated): gnomAD 0.00001; gnomAD exomes 0.00001; TOPMed 0.00001; ExAC 0.00003.
gnomAD v4.1: 2 of 1,613,250 alleles (0.00012%); highest among the groups gnomAD compares: East Asian, 0.0022%; no homozygotes.

Submissions (5):

Labcorp Genetics (formerly Invitae), Labcorp
Classification: Uncertain significance for Multiple endocrine neoplasia, type 2. Last evaluated: 2026-02-03. Review status: criteria provided, single submitter. Criteria: Invitae Variant Classification Sherloc (09022015). Collection method: clinical testing. Allele origin: germline.
Comment: This sequence change replaces valine, which is neutral and non-polar, with glutamic acid, which is acidic and polar, at codon 351 of the RET protein (p.Val351Glu). This variant is present in population databases (rs749449032, gnomAD 0.02%). This variant has not been reported in the literature in individuals affected with RET-related conditions. ClinVar contains an entry for this variant (Variation ID: 219791). An algorithm developed to predict the effect of missense changes on protein structure and function (PolyPhen-2) suggests that this variant is likely to be tolerated. In summary, the available evidence is currently insufficient to determine the role of this variant in disease. Therefore, it has been classified as a Variant of Uncertain Significance.

Myriad Genetics, Inc.
Classification: Likely benign for Multiple endocrine neoplasia type 2A. Last evaluated: 2024-08-07. Review status: criteria provided, single submitter. Criteria: Myriad Autosomal Dominant, Autosomal Recessive and X-Linked Classification Criteria (2023). Collection method: clinical testing. Allele origin: unknown.
Comment: This variant is considered likely benign. This variant has been observed at a population frequency that is significantly greater than expected given the associated disease prevalence and penetrance.

Ambry Genetics
Classification: Likely benign for Hereditary cancer-predisposing syndrome. Last evaluated: 2023-06-29. Review status: criteria provided, single submitter. Criteria: Ambry Variant Classification Scheme 2023. Collection method: clinical testing. Allele origin: germline.

Baylor Genetics
Classification: Uncertain significance for Hirschsprung disease, susceptibility to, 1. Last evaluated: 2023-06-16. Review status: criteria provided, single submitter. Criteria: ACMG Guidelines, 2015. Collection method: clinical testing. Allele origin: unknown.

Laboratory of Molecular Epidemiology of Birth Defects, West China Second University Hospital, Sichuan University
Classification: Benign for Ovarian cancer. Last evaluated: 2022-01-01. Review status: criteria provided, single submitter. Criteria: ACMG Guidelines, 2015. Collection method: clinical testing. Allele origin: germline. Affected: yes.